The following is an entry in ClinVar:

NM_080669.6(SLC46A1):c.1037T>C (p.Met346Thr)

Gene: SLC46A1 (solute carrier family 46 member 1; minus strand). Cytogenetic location: 17q11.2.
Variant type: single nucleotide variant.
Coding change: c.1037T>C on transcript NM_080669.6 (MANE Select); coding-DNA position 1037, T replaced by C.
Protein change: p.Met346Thr; replaces methionine 346 with threonine.
Molecular consequence: missense variant.
Genome position (GRCh38, 1-based): chr17:28,404,660, A>G on the plus strand (T>C on the coding strand, the complement: SLC46A1 is on the minus strand). VCF-style: chr17-28404660-A-G. GRCh37 (hg19) VCF-style: chr17-26731678-A-G.
Other names: c.1037T>C, p.Met346Thr (NM_001242366.3); short protein forms M346T.
Identifiers: ClinVar variation 1331394 (VCV001331394.7), dbSNP rs2142464726, ClinGen allele CA398345916.
Genomic context (GRCh38, chr17:28,404,660, plus strand): 5'-AGCCCACACACTTTACCTGTGAACATGAGAGGCGTGATAGTGGCAAAGGCAAAGACCACC[A>G]TCCCCAGGATGTTGAAGGCCAGGCCGATCTCAGCTACCCAGGCATCGGCCAGGCAGTACT-3'
Protein context (NP_542400.2, residues 336-356): EIGLAFNILG[Met346Thr]VVFAFATITP

ClinVar aggregate classification (germline): Uncertain significance. Review status: criteria provided, multiple submitters, no conflicts (2 of 4 stars). 2 submissions from 2 submitters: Uncertain significance (2). Last evaluated 2021-12-13.

Allele frequency attached by ClinVar (database versions not stated): gnomAD exomes 0.00001.
gnomAD v4.1: 4 of 1,612,582 alleles (0.00025%); highest among the groups gnomAD compares: Non-Finnish European, 0.00034%; no homozygotes.

Submissions (2):

Women's Health and Genetics/Laboratory Corporation of America, LabCorp
Classification: Uncertain significance. Last evaluated: 2021-12-13. Review status: criteria provided, single submitter. Criteria: LabCorp Variant Classification Summary - May 2015. Collection method: clinical testing. Allele origin: germline.

Labcorp Genetics (formerly Invitae), Labcorp
Classification: Uncertain significance. Last evaluated: 2021-05-21. Review status: criteria provided, single submitter. Criteria: Invitae Variant Classification Sherloc (09022015). Collection method: clinical testing. Allele origin: germline.
Comment: This sequence change replaces methionine with threonine at codon 346 of the SLC46A1 protein (p.Met346Thr). The methionine residue is weakly conserved and there is a moderate physicochemical difference between methionine and threonine. This variant is not present in population databases (ExAC no frequency). This variant has not been reported in the literature in individuals with SLC46A1-related conditions. Experimental studies and prediction algorithms are not available or were not evaluated, and the functional significance of this variant is currently unknown. In summary, the available evidence is currently insufficient to determine the role of this variant in disease. Therefore, it has been classified as a Variant of Uncertain Significance.